The following is an entry in ClinVar:

NM_002734.5(PRKAR1A):c.227A>G (p.Asp76Gly)

Gene: PRKAR1A (protein kinase cAMP-dependent type I regulatory subunit alpha; plus strand). Cytogenetic location: 17q24.2.
Variant type: single nucleotide variant.
Coding change: c.227A>G on transcript NM_002734.5 (MANE Select); coding-DNA position 227, A replaced by G.
Protein change: p.Asp76Gly; replaces aspartic acid 76 with glycine.
Molecular consequence: missense variant.
Genome position (GRCh38, 1-based): chr17:68,522,805, A>G. VCF-style: chr17-68522805-A-G. GRCh37 (hg19) VCF-style: chr17-66518946-A-G.
Other names: c.227A>G, p.Asp76Gly (NM_001276289.2, NM_001276290.1, NM_001278433.2 and 4 more transcripts); short protein forms D76G.
Identifiers: ClinVar variation 1788900 (VCV001788900.2), dbSNP rs2509398717, ClinGen allele CA400752261.

ClinVar aggregate classification (germline): Uncertain significance (1 of 4 stars; one submission).

Conditions:
Hereditary cancer-predisposing syndrome. Also called: Hereditary Cancer Syndrome; Hereditary neoplastic syndrome; Tumor predisposition; Neoplastic Syndromes, Hereditary. Identifiers: Orphanet 140162, MedGen C0027672, MeSH D009386, MONDO:0015356.

Submission:

Ambry Genetics
Classification: Uncertain significance for Hereditary cancer-predisposing syndrome. Last evaluated: 2022-08-16. Review status: criteria provided, single submitter. Criteria: Ambry Variant Classification Scheme 2023. Collection method: clinical testing. Allele origin: germline.
Comment: The p.D76G variant (also known as c.227A>G), located in coding exon 2 of the PRKAR1A gene, results from an A to G substitution at nucleotide position 227. The aspartic acid at codon 76 is replaced by glycine, an amino acid with similar properties. This amino acid position is conserved. In addition, this alteration is predicted to be deleterious by in silico analysis. Since supporting evidence is limited at this time, the clinical significance of this alteration remains unclear.